The following is an entry in ClinVar:

ClinVar aggregate classification (germline): Likely benign (1 of 4 stars; one submission).

Allele frequency attached by ClinVar (database versions not stated): TOPMed 0.00002; gnomAD 0.00004.
gnomAD v4.1: 2 of 981,776 alleles (0.0002%); highest among the groups gnomAD compares: Non-Finnish European, 0.00024%; no homozygotes.

Submission:

GeneDx
Classification: Likely benign. Last evaluated: 2017-09-28. Review status: criteria provided, single submitter. Criteria: GeneDx Variant Classification (06012015). Collection method: clinical testing. Allele origin: germline. Affected: yes.
Comment: This variant is considered likely benign or benign based on one or more of the following criteria: it is a conservative change, it occurs at a poorly conserved position in the protein, it is predicted to be benign by multiple in silico algorithms, and/or has population frequency not consistent with disease.

NM_001083962.2(TCF4):c.-21+12C>T

Gene: TCF4 (transcription factor 4; minus strand). Cytogenetic location: 18q21.2.
Variant type: single nucleotide variant.
Coding change: c.-21+12C>T on transcript NM_001083962.2 (MANE Select); 12 bases into the intron after 21 bases upstream of the start codon, C replaced by T.
Molecular consequence: intron variant.
Genome position (GRCh38, 1-based): chr18:55,588,026, G>A on the plus strand (C>T on the coding strand, the complement: TCF4 is on the minus strand). VCF-style: chr18-55588026-G-A. GRCh37 (hg19) VCF-style: chr18-53255257-G-A.
Other names: c.287-890C>T (NM_001243226.3); c.-1+1271C>T (NM_001369584.1, NM_001369576.1, NM_001369577.1 and 3 more transcripts); c.-20-890C>T (NM_001369571.1, NM_001369567.1, NM_001243228.2); c.66+444C>T (NM_001243230.2); c.-21+444C>T (NM_001369569.1, NM_001369572.1, NM_001369568.1); c.-1+12C>T (NM_001369585.1, NM_001369578.1, NM_001369579.1 and 2 more transcripts); c.-21+12C>T (NM_001369573.1, NM_001369570.1, NM_001369574.1 and 2 more transcripts).
Identifiers: ClinVar variation 512383 (VCV000512383.1), dbSNP rs1055665608, ClinGen allele CA630187364.